The following is an entry in ClinVar:

ClinVar aggregate classification (germline): Uncertain significance. Review status: criteria provided, multiple submitters, no conflicts (2 of 4 stars). 2 submissions from 2 submitters: Uncertain significance (2). Last evaluated 2025-11-24.

Conditions:
Hereditary nonpolyposis colorectal neoplasms. Identifiers: MedGen C0009405, MeSH D003123.
Hereditary cancer-predisposing syndrome. Also called: Tumor predisposition; Hereditary neoplastic syndrome; Hereditary Cancer Syndrome; Neoplastic Syndromes, Hereditary. Identifiers: Orphanet 140162, MedGen C0027672, MeSH D009386, MONDO:0015356.

Submissions (2):

Labcorp Genetics (formerly Invitae), Labcorp
Classification: Uncertain significance for Hereditary nonpolyposis colorectal neoplasms. Last evaluated: 2025-11-24. Review status: criteria provided, single submitter. Criteria: Invitae Variant Classification Sherloc (09022015). Collection method: clinical testing. Allele origin: germline.
Comment: This sequence change replaces glutamine, which is neutral and polar, with proline, which is neutral and non-polar, at codon 30 of the PMS2 protein (p.Gln30Pro). This variant is not present in population databases (gnomAD no frequency). This variant has not been reported in the literature in individuals affected with PMS2-related conditions. ClinVar contains an entry for this variant (Variation ID: 3215870). Invitae Evidence Modeling incorporating data from in vitro experimental studies (internal data) indicates that this missense variant is not expected to disrupt PMS2 function with a negative predictive value of 95%. In summary, the available evidence is currently insufficient to determine the role of this variant in disease. Therefore, it has been classified as a Variant of Uncertain Significance.

Ambry Genetics
Classification: Uncertain significance for Hereditary cancer-predisposing syndrome. Last evaluated: 2021-06-24. Review status: criteria provided, single submitter. Criteria: Ambry Variant Classification Scheme 2023. Collection method: clinical testing. Allele origin: germline.

NM_000535.7(PMS2):c.89A>C (p.Gln30Pro)

Gene: PMS2 (PMS1 homolog 2, mismatch repair system component; minus strand). Cytogenetic location: 7p22.1.
Variant type: single nucleotide variant.
Coding change: c.89A>C on transcript NM_000535.7 (MANE Select); coding-DNA position 89, A replaced by C.
Protein change: p.Gln30Pro; replaces glutamine 30 with proline.
Molecular consequence: missense variant. On other transcripts: 5 prime UTR variant (38), non-coding transcript variant (1), intron variant (7).
Genome position (GRCh38, 1-based): chr7:6,005,966, T>G on the plus strand (A>C on the coding strand, the complement: PMS2 is on the minus strand). VCF-style: chr7-6005966-T-G. GRCh37 (hg19) VCF-style: chr7-6045597-T-G.
Other names: c.89A>C, p.Gln30Pro (NM_001322006.2, NM_001322014.2, NM_001406868.1 and 10 more transcripts); c.-127A>C (NM_001322007.2, NM_001406876.1, NM_001406883.1 and 4 more transcripts); c.-317A>C (NM_001322009.2, NM_001322013.2, NM_001018040.1 and 11 more transcripts); c.-796A>C (NM_001322011.2, NM_001322012.2); c.-396A>C (NM_001322015.2, NM_001406875.1, NM_001406877.1 and 2 more transcripts); c.275A>C, p.Gln92Pro (NM_001406866.1); c.-343A>C (NM_001406880.1); c.-264A>C (NM_001406888.1, NM_001406889.1, NM_001406892.1 and 5 more transcripts); and 7 more; short protein forms Q30P, Q92P.
Identifiers: ClinVar variation 3215870 (VCV003215870.2), dbSNP rs56203955, ClinGen allele CA153249729.
Genomic context (GRCh38, chr7:6,005,966, plus strand): 5'-CCAGCATCCAGACTGTTTTCTACTAACTCCTTTACCGCAGTGCTTAGACTCAGTACCACC[T>G]GCCCAGAGCAAATCTGATGGACTGACTTCCGATCAATAGGTTTGATGGCCTTAGCAGGTT-3'
Protein context (NP_000526.2, residues 20-40): RKSVHQICSG[Gln30Pro]VVLSLSTAVK